The following is an entry in ClinVar:

ClinVar aggregate classification (germline): Uncertain significance (1 of 4 stars; one submission).

Allele frequency attached by ClinVar (database versions not stated): ESP Exome Variant Server 0.00008.
gnomAD v4.1: 2 of 1,584,264 alleles (0.00013%); highest among the groups gnomAD compares: Non-Finnish European, 0.00017%; no homozygotes.

Submission:

Labcorp Genetics (formerly Invitae), Labcorp
Classification: Uncertain significance. Last evaluated: 2021-04-08. Review status: criteria provided, single submitter. Criteria: Invitae Variant Classification Sherloc (09022015). Collection method: clinical testing. Allele origin: germline.
Comment: Nucleotide substitutions within the consensus splice site are a relatively common cause of aberrant splicing (PMID: 17576681, 9536098). Algorithms developed to predict the effect of sequence changes on RNA splicing suggest that this variant is not likely to affect RNA splicing, but this prediction has not been confirmed by published transcriptional studies. In summary, the available evidence is currently insufficient to determine the role of this variant in disease. Therefore, it has been classified as a Variant of Uncertain Significance. This variant has not been reported in the literature in individuals with ASAH1-related conditions. This variant is not present in population databases (ExAC no frequency). This sequence change falls in intron 9 of the ASAH1 gene. It does not directly change the encoded amino acid sequence of the ASAH1 protein. It affects a nucleotide within the consensus splice site of the intron.

Literature cited by the submitters: PubMed 17576681; PubMed 9536098.

NM_177924.5(ASAH1):c.703+6T>G

Gene: ASAH1 (N-acylsphingosine amidohydrolase 1; minus strand). Cytogenetic location: 8p22.
Variant type: single nucleotide variant.
Coding change: c.703+6T>G on transcript NM_177924.5 (MANE Select); 6 bases into the intron after coding-DNA position 703, T replaced by G.
Molecular consequence: intron variant.
Genome position (GRCh38, 1-based): chr8:18,061,680, A>C on the plus strand (T>G on the coding strand, the complement: ASAH1 is on the minus strand). VCF-style: chr8-18061680-A-C. GRCh37 (hg19) VCF-style: chr8-17919189-A-C.
Other names: c.751+6T>G (NM_004315.6); c.685+6T>G (NM_001127505.3); c.508+6T>G (NM_001363743.2).
Identifiers: ClinVar variation 1398875 (VCV001398875.6), dbSNP rs375599238, ClinGen allele CA173141684.